The following is an entry in ClinVar:

ClinVar aggregate classification (germline): Uncertain significance (1 of 4 stars; one submission).

Conditions:
Mosaic variegated aneuploidy syndrome 1 (MVA1). Also called: Warburton-Anyane-Yeboa syndrome. Identifiers: Orphanet 1052, MedGen C1850343, MONDO:0009759, OMIM 257300.

Submission:

Labcorp Genetics (formerly Invitae), Labcorp
Classification: Uncertain significance for Mosaic variegated aneuploidy syndrome 1. Last evaluated: 2022-04-24. Review status: criteria provided, single submitter. Criteria: Invitae Variant Classification Sherloc (09022015). Collection method: clinical testing. Allele origin: germline.
Comment: This variant is not present in population databases (gnomAD no frequency). This sequence change replaces tryptophan, which is neutral and slightly polar, with leucine, which is neutral and non-polar, at codon 1036 of the BUB1B protein (p.Trp1036Leu). This variant has not been reported in the literature in individuals affected with BUB1B-related conditions. Algorithms developed to predict the effect of missense changes on protein structure and function (SIFT, PolyPhen-2, Align-GVGD) all suggest that this variant is likely to be tolerated. In summary, the available evidence is currently insufficient to determine the role of this variant in disease. Therefore, it has been classified as a Variant of Uncertain Significance.

NM_001211.6(BUB1B):c.3107G>T (p.Trp1036Leu)

Genes: BUB1B (BUB1 mitotic checkpoint serine/threonine kinase B; plus strand), BUB1B-PAK6 (BUB1B-PAK6 readthrough; plus strand). Cytogenetic location: 15q15.1.
Variant type: single nucleotide variant.
Coding change: c.3107G>T on transcript NM_001211.6 (MANE Select); coding-DNA position 3107, G replaced by T.
Protein change: p.Trp1036Leu; replaces tryptophan 1036 with leucine.
Molecular consequence: missense variant. On other transcripts: intron variant (2).
Genome position (GRCh38, 1-based): chr15:40,220,713, G>T. VCF-style: chr15-40220713-G-T. GRCh37 (hg19) VCF-style: chr15-40512914-G-T.
Other names: c.-201+3046G>T (NM_001128628.3); c.-118+3046G>T (NM_001128629.3); short protein forms W1036L.
Identifiers: ClinVar variation 2130229 (VCV002130229.4), dbSNP rs2542594333, ClinGen allele CA391690361.